The following is an entry in ClinVar:

NM_207352.4(CYP4V2):c.550G>T (p.Glu184Ter)

Gene: CYP4V2 (cytochrome P450 family 4 subfamily V member 2; plus strand). Cytogenetic location: 4q35.1.
Variant type: single nucleotide variant.
Coding change: c.550G>T on transcript NM_207352.4 (MANE Select); coding-DNA position 550, G replaced by T.
Protein change: p.Glu184Ter; replaces glutamic acid 184 with a stop codon.
Molecular consequence: nonsense.
Genome position (GRCh38, 1-based): chr4:186,197,076, G>T. VCF-style: chr4-186197076-G-T. GRCh37 (hg19) VCF-style: chr4-187118230-G-T.
Other names: short protein forms E184*.
Identifiers: ClinVar variation 1456652 (VCV001456652.6), dbSNP rs2126585037, ClinGen allele CA358947549.

ClinVar aggregate classification (germline): Pathogenic (1 of 4 stars; one submission).

Submission:

Labcorp Genetics (formerly Invitae), Labcorp
Classification: Pathogenic. Last evaluated: 2022-08-15. Review status: criteria provided, single submitter. Criteria: Invitae Variant Classification Sherloc (09022015). Collection method: clinical testing. Allele origin: germline.
Comment: ClinVar contains an entry for this variant (Variation ID: 1456652). For these reasons, this variant has been classified as Pathogenic. Algorithms developed to predict the effect of sequence changes on RNA splicing suggest that this variant may disrupt the consensus splice site. This variant has not been reported in the literature in individuals affected with CYP4V2-related conditions. This variant is not present in population databases (gnomAD no frequency). This sequence change creates a premature translational stop signal (p.Glu184*) in the CYP4V2 gene. It is expected to result in an absent or disrupted protein product. Loss-of-function variants in CYP4V2 are known to be pathogenic (PMID: 15042513, 25118264).

Literature cited by the submitters: PubMed 15042513; PubMed 25118264.